The following is an entry in ClinVar:

ClinVar aggregate classification (germline): Uncertain significance (1 of 4 stars; one submission).

Conditions:
Catecholaminergic polymorphic ventricular tachycardia (CVPT). Also called: Catecholamine-induced polymorphic ventricular tachycardia. Identifiers: Orphanet 3286, MedGen C5574922, MONDO:0017990.

Submission:

All of Us Research Program, National Institutes of Health
Classification: Uncertain significance for Catecholaminergic polymorphic ventricular tachycardia. Last evaluated: 2024-05-30. Review status: criteria provided, single submitter. Criteria: ACMG Guidelines, 2015. Collection method: clinical testing. Allele origin: germline. Inheritance: Autosomal dominant inheritance. Observed: 1 variant allele, 1 heterozygote.
Comment: This missense variant replaces glutamic acid with glycine at codon 6 of the RYR2 protein. Computational prediction suggests that this variant may not impact protein structure and function (internally defined REVEL score threshold <= 0.5, PMID: 27666373). To our knowledge, functional studies have not been reported for this variant. This variant has not been reported in individuals affected with RYR2-related disorders in the literature. This variant has been identified in 1/31152 chromosomes in the general population by the Genome Aggregation Database (gnomAD). The available evidence is insufficient to determine the role of this variant in disease conclusively. Therefore, this variant is classified as a Variant of Uncertain Significance.

This study involves interpretation of variants in research participants for the purpose of population health screening. Participant phenotype was not available at the time of variant classification. Additional details can be found in publication PMID: 35346344, PMCID: PMC8962531

NM_001035.3(RYR2):c.17A>G (p.Glu6Gly)

Gene: RYR2 (ryanodine receptor 2; plus strand). Cytogenetic location: 1q43.
Variant type: single nucleotide variant.
Coding change: c.17A>G on transcript NM_001035.3 (MANE Select); coding-DNA position 17, A replaced by G.
Protein change: p.Glu6Gly; replaces glutamic acid 6 with glycine.
Molecular consequence: missense variant.
Genome position (GRCh38, 1-based): chr1:237,042,538, A>G. VCF-style: chr1-237042538-A-G. GRCh37 (hg19) VCF-style: chr1-237205838-A-G.
Other names: short protein forms E6G.
Identifiers: ClinVar variation 3385643 (VCV003385643.1).